The following is an entry in ClinVar:

ClinVar aggregate classification (germline): Likely benign (1 of 4 stars; one submission).

gnomAD v4.1: 266 of 1,586,744 alleles (0.017%); highest among the groups gnomAD compares: African/African-American, 0.33%; 3 homozygotes.

Submission:

CeGaT Center for Human Genetics Tuebingen
Classification: Likely benign. Last evaluated: 2025-04-01. Review status: criteria provided, single submitter. Criteria: CeGaT Center For Human Genetics Tuebingen Variant Classification Criteria Version 2. Collection method: clinical testing. Allele origin: germline. Affected: yes. Observed: 1 variant allele.
Comment: MUC21: BP4, BP7

NM_001010909.5(MUC21):c.351C>T (p.Ala117=)

Gene: MUC21 (mucin 21, cell surface associated; plus strand). Cytogenetic location: 6p21.33.
Variant type: single nucleotide variant.
Coding change: c.351C>T on transcript NM_001010909.5 (MANE Select); coding-DNA position 351, C replaced by T.
Protein change: p.Ala117=; no amino-acid change (alanine 117 retained).
Molecular consequence: synonymous variant. On other transcripts: non-coding transcript variant (1).
Genome position (GRCh38, 1-based): chr6:30,986,526, C>T. VCF-style: chr6-30986526-C-T. GRCh37 (hg19) VCF-style: chr6-30954303-C-T.
Identifiers: ClinVar variation 3898073 (VCV003898073.7).
Genomic context (GRCh38, chr6:30,986,526, plus strand): 5'-AGTGTCCAGTGGGATCAGCATAGCCACCAACTCTGAGTCCAGCACAACCTCCAGTGGGGC[C>T]AGCACAGCCACCAACTCTGAGTCCAGCACACCCTCCAGTGGGGCCAGCACAGCCACCAAC-3'
Protein context (NP_001010909.2, residues 107-127): NSESSTTSSG[Ala117=]STATNSESST